The following is an entry in ClinVar:

ClinVar aggregate classification (germline): Likely benign. Review status: criteria provided, multiple submitters, no conflicts (2 of 4 stars). 4 submissions from 4 submitters: Likely benign (4). Last evaluated 2025-02-19.

Conditions:
Inborn genetic diseases. Identifiers: MedGen C0950123, MeSH D030342.
Infantile-onset X-linked spinal muscular atrophy. Also called: Spinal Muscular Atrophy, X-Linked Infantile; Spinal muscular atrophy, X-linked 2; AMC, DISTAL, X-LINKED; ARTHROGRYPOSIS, X-LINKED, TYPE I; SPINAL MUSCULAR ATROPHY, X-LINKED LETHAL INFANTILE. Identifiers: Orphanet 1145, MedGen C1844934, MONDO:0010532, OMIM 301830.

Allele frequency attached by ClinVar (database versions not stated): ExAC 0.00002; gnomAD exomes 0.00002; TOPMed 0.00003; gnomAD 0.00004.
gnomAD v4.1: 25 of 1,210,101 alleles (0.0021%); highest among the groups gnomAD compares: Middle Eastern, 0.023%; no homozygotes.

Submissions (4):

Labcorp Genetics (formerly Invitae), Labcorp
Classification: Likely benign for Infantile-onset X-linked spinal muscular atrophy. Last evaluated: 2025-02-19. Review status: criteria provided, single submitter. Criteria: Invitae Variant Classification Sherloc (09022015). Collection method: clinical testing. Allele origin: germline.

CeGaT Center for Human Genetics Tuebingen
Classification: Likely benign. Last evaluated: 2022-07-01. Review status: criteria provided, single submitter. Criteria: CeGaT Center For Human Genetics Tuebingen Variant Classification Criteria Version 2. Collection method: clinical testing. Allele origin: germline. Affected: yes. Observed: 1 variant allele.
Comment: UBA1: BP4, BP7

Ambry Genetics
Classification: Likely benign for Inborn genetic diseases. Last evaluated: 2019-07-11. Review status: criteria provided, single submitter. Criteria: Ambry Variant Classification Scheme 2023. Collection method: clinical testing. Allele origin: germline.

GeneDx
Classification: Likely benign. Last evaluated: 2017-11-21. Review status: criteria provided, single submitter. Criteria: GeneDx Variant Classification (06012015). Collection method: clinical testing. Allele origin: germline. Affected: yes.
Comment: This variant is considered likely benign or benign based on one or more of the following criteria: it is a conservative change, it occurs at a poorly conserved position in the protein, it is predicted to be benign by multiple in silico algorithms, and/or has population frequency not consistent with disease.

NM_003334.4(UBA1):c.423T>C (p.Tyr141=)

Gene: UBA1 (ubiquitin like modifier activating enzyme 1; plus strand). Cytogenetic location: Xp11.3.
Variant type: single nucleotide variant.
Coding change: c.423T>C on transcript NM_003334.4 (MANE Select); coding-DNA position 423, T replaced by C.
Protein change: p.Tyr141=; no amino-acid change (tyrosine 141 retained).
Molecular consequence: synonymous variant.
Genome position (GRCh38, 1-based): chrX:47,199,557, T>C. VCF-style: chrX-47199557-T-C. GRCh37 (hg19) VCF-style: chrX-47058956-T-C.
Other names: c.423T>C, p.Tyr141= (NM_153280.3).
Identifiers: ClinVar variation 513445 (VCV000513445.35), dbSNP rs782435953, ClinGen allele CA10395674.